The following is an entry in ClinVar:

ClinVar aggregate classification (germline): Uncertain significance (1 of 4 stars; one submission).

Conditions:
Neurodevelopmental disorder with hypotonia, stereotypic hand movements, and impaired language. Also called: Intellectual disability, autosomal dominant 20. Identifiers: Orphanet 228384, Orphanet 664410, MedGen C3150700, MONDO:0013266, OMIM 613443.

Allele frequency attached by ClinVar (database versions not stated): TOPMed below 0.00001; gnomAD exomes 0.00001.
gnomAD v4.1: 3 of 1,613,340 alleles (0.00019%); highest among the groups gnomAD compares: South Asian, 0.0011%; no homozygotes.

Submission:

Labcorp Genetics (formerly Invitae), Labcorp
Classification: Uncertain significance for Neurodevelopmental disorder with hypotonia, stereotypic hand movements, and impaired language. Last evaluated: 2023-12-14. Review status: criteria provided, single submitter. Criteria: Invitae Variant Classification Sherloc (09022015). Collection method: clinical testing. Allele origin: germline.
Comment: This sequence change replaces arginine, which is basic and polar, with glutamine, which is neutral and polar, at codon 256 of the MEF2C protein (p.Arg256Gln). This variant is not present in population databases (gnomAD no frequency). This variant has not been reported in the literature in individuals affected with MEF2C-related conditions. ClinVar contains an entry for this variant (Variation ID: 944648). Advanced modeling of protein sequence and biophysical properties (such as structural, functional, and spatial information, amino acid conservation, physicochemical variation, residue mobility, and thermodynamic stability) has been performed at Invitae for this missense variant, however the output from this modeling did not meet the statistical confidence thresholds required to predict the impact of this variant on MEF2C protein function. In summary, the available evidence is currently insufficient to determine the role of this variant in disease. Therefore, it has been classified as a Variant of Uncertain Significance.

NM_002397.5(MEF2C):c.767G>A (p.Arg256Gln)

Gene: MEF2C (myocyte enhancer factor 2C; minus strand). Cytogenetic location: 5q14.3.
Variant type: single nucleotide variant.
Coding change: c.767G>A on transcript NM_002397.5 (MANE Select); coding-DNA position 767, G replaced by A.
Protein change: p.Arg256Gln; replaces arginine 256 with glutamine.
Molecular consequence: missense variant.
Genome position (GRCh38, 1-based): chr5:88,731,772, C>T on the plus strand (G>A on the coding strand, the complement: MEF2C is on the minus strand). VCF-style: chr5-88731772-C-T. GRCh37 (hg19) VCF-style: chr5-88027589-C-T.
Other names: c.761G>A, p.Arg254Gln (NM_001131005.2, NM_001364343.2, NM_001364352.2); c.821G>A, p.Arg274Gln (NM_001193347.1, NM_001364338.2); c.623G>A, p.Arg208Gln (NM_001193348.1, NM_001193349.3, NM_001364332.2 and 3 more transcripts); c.767G>A, p.Arg256Gln (NM_001193350.2, NM_001308002.3, NM_001363581.2 and 18 more transcripts); c.389G>A, p.Arg130Gln (NM_001364353.2, NM_001364356.2); c.341G>A, p.Arg114Gln (NM_001364357.2); short protein forms R256Q, R274Q, R114Q, R130Q, R208Q, R254Q.
Identifiers: ClinVar variation 944648 (VCV000944648.10), dbSNP rs1761775496, ClinGen allele CA360423241.